The following is an entry in ClinVar:

NM_024426.6(WT1):c.301G>C (p.Val101Leu)

Genes: WT1 (WT1 transcription factor; minus strand), LOC107982234 (WT1/WT1-AS bi-directional promoter region; plus strand). Cytogenetic location: 11p13.
Variant type: single nucleotide variant.
Coding change: c.301G>C on transcript NM_024426.6 (MANE Select); coding-DNA position 301, G replaced by C.
Protein change: p.Val101Leu; replaces valine 101 with leucine.
Molecular consequence: missense variant. On other transcripts: non-coding transcript variant (1).
Genome position (GRCh38, 1-based): chr11:32,435,060, C>G on the plus strand (G>C on the coding strand, the complement: WT1 is on the minus strand). VCF-style: chr11-32435060-C-G. GRCh37 (hg19) VCF-style: chr11-32456606-C-G.
Other names: c.301G>C, p.Val101Leu (NM_000378.6, NM_024424.5); short protein forms V101L.
Identifiers: ClinVar variation 855573 (VCV000855573.10), dbSNP rs1853461708, ClinGen allele CA379965974.

ClinVar aggregate classification (germline): Uncertain significance (1 of 4 stars; one submission).

Conditions:
Drash syndrome (DDS). Also called: NEPHROPATHY, WILMS TUMOR, AND GENITAL ANOMALIES; WILMS TUMOR AND PSEUDO- OR TRUE HERMAPHRODITISM. Identifiers: Orphanet 220, MedGen C0950121, MONDO:0008682, OMIM 194080.
Frasier syndrome. Identifiers: Orphanet 347, MedGen C0950122, MeSH D052159, MONDO:0007635, OMIM 136680.
Wilms tumor 1 (WT1). Also called: Wilms tumor, somatic. Identifiers: Orphanet 654, MedGen CN033288, MONDO:0008679, OMIM 194070.
11p partial monosomy syndrome (WAGR). Also called: WAGR Spectrum Disorder; CHROMOSOME 11p13 DELETION SYNDROME; WAGR Complex; WAGR syndrome. Identifiers: Orphanet 893, MedGen C0206115, MONDO:0008681, OMIM 194072.

Submission:

Labcorp Genetics (formerly Invitae), Labcorp
Classification: Uncertain significance for Wilms tumor 1; Drash syndrome; 11p partial monosomy syndrome; Frasier syndrome. Last evaluated: 2022-02-18. Review status: criteria provided, single submitter. Criteria: Invitae Variant Classification Sherloc (09022015). Collection method: clinical testing. Allele origin: germline.
Comment: This sequence change replaces valine, which is neutral and non-polar, with leucine, which is neutral and non-polar, at codon 96 of the WT1 protein (p.Val96Leu). This variant is not present in population databases (gnomAD no frequency). This variant has not been reported in the literature in individuals affected with WT1-related conditions. ClinVar contains an entry for this variant (Variation ID: 855573). Algorithms developed to predict the effect of missense changes on protein structure and function are either unavailable or do not agree on the potential impact of this missense change (SIFT: "Deleterious"; PolyPhen-2: "Benign"; Align-GVGD: "Class C0"). In summary, the available evidence is currently insufficient to determine the role of this variant in disease. Therefore, it has been classified as a Variant of Uncertain Significance.